The following is an entry in ClinVar:

ClinVar aggregate classification (germline): Uncertain significance (1 of 4 stars; one submission).

Conditions:
Charcot-Marie-Tooth disease type 2. Also called: Charcot-Marie-Tooth type 2. Identifiers: Orphanet 64746, MedGen C0270914, MONDO:0018993.

Submission:

Labcorp Genetics (formerly Invitae), Labcorp
Classification: Uncertain significance for Charcot-Marie-Tooth disease type 2. Last evaluated: 2024-01-17. Review status: criteria provided, single submitter. Criteria: Invitae Variant Classification Sherloc (09022015). Collection method: clinical testing. Allele origin: germline.
Comment: This sequence change replaces histidine, which is basic and polar, with arginine, which is basic and polar, at codon 769 of the KIF1B protein (p.His769Arg). This variant is not present in population databases (gnomAD no frequency). This variant has not been reported in the literature in individuals affected with KIF1B-related conditions. Algorithms developed to predict the effect of missense changes on protein structure and function output the following: SIFT: "Not Available"; PolyPhen-2: "Benign"; Align-GVGD: "Not Available". The arginine amino acid residue is found in multiple mammalian species, which suggests that this missense change does not adversely affect protein function. In summary, the available evidence is currently insufficient to determine the role of this variant in disease. Therefore, it has been classified as a Variant of Uncertain Significance.

NM_001365951.3(KIF1B):c.2444A>G (p.His815Arg)

Gene: KIF1B (kinesin family member 1B; plus strand). Cytogenetic location: 1p36.22.
Variant type: single nucleotide variant.
Coding change: c.2444A>G on transcript NM_001365951.3 (MANE Select); coding-DNA position 2444, A replaced by G.
Protein change: p.His815Arg; replaces histidine 815 with arginine.
Molecular consequence: missense variant.
Genome position (GRCh38, 1-based): chr1:10,323,969, A>G. VCF-style: chr1-10323969-A-G. GRCh37 (hg19) VCF-style: chr1-10384027-A-G.
Other names: c.2444A>G, p.His815Arg (NM_001365952.1); c.2306A>G, p.His769Arg (NM_015074.3); short protein forms H769R, H815R.
Identifiers: ClinVar variation 2991701 (VCV002991701.3), dbSNP rs373206872, ClinGen allele CA338334693.
Genomic context (GRCh38, chr1:10,323,969, plus strand): 5'-CTGACACACTGTACTCCCCTTTGCCTCCTGAATTACTTCCCACTGAGATGGAAAAAACTC[A>G]TGAGGACAGGCCTTTCCCTCGCACAGTGGTAGCAGTAGAAGTCCAGGATTTGAAGAATGG-3'
Protein context (NP_001352880.1, residues 805-825): ELLPTEMEKT[His815Arg]EDRPFPRTVV